The following is an entry in ClinVar:

NM_030665.4(RAI1):c.404C>T (p.Pro135Leu)

Gene: RAI1 (retinoic acid induced 1; plus strand). Cytogenetic location: 17p11.2.
Variant type: single nucleotide variant.
Coding change: c.404C>T on transcript NM_030665.4 (MANE Select); coding-DNA position 404, C replaced by T.
Protein change: p.Pro135Leu; replaces proline 135 with leucine.
Molecular consequence: missense variant.
Genome position (GRCh38, 1-based): chr17:17,793,352, C>T. VCF-style: chr17-17793352-C-T. GRCh37 (hg19) VCF-style: chr17-17696666-C-T.
Other names: short protein forms P135L.
Identifiers: ClinVar variation 2789480 (VCV002789480.3), dbSNP rs970955223, ClinGen allele CA398545382.
Genomic context (GRCh38, chr17:17,793,352, plus strand): 5'-AGGAGAGCCTTCAGGCTTGGGGGGCCCCACAGCCACCACCCCCACAGCCGCAGCCACTAC[C>T]TGCAGGGGTGGCCAAGTATGATGAGAACTTGATGAAAAAGACAGCAGTGCCCCCCAGCAG-3'
Protein context (NP_109590.3, residues 125-145): QPPPPQPQPL[Pro135Leu]AGVAKYDENL

ClinVar aggregate classification (germline): Uncertain significance (1 of 4 stars; one submission).

gnomAD v4.1: 2 of 1,612,994 alleles (0.00012%); highest among the groups gnomAD compares: Non-Finnish European, 0.000085%; no homozygotes.

Submission:

Labcorp Genetics (formerly Invitae), Labcorp
Classification: Uncertain significance. Last evaluated: 2023-06-02. Review status: criteria provided, single submitter. Criteria: Invitae Variant Classification Sherloc (09022015). Collection method: clinical testing. Allele origin: germline.
Comment: In summary, the available evidence is currently insufficient to determine the role of this variant in disease. Therefore, it has been classified as a Variant of Uncertain Significance. Advanced modeling of protein sequence and biophysical properties (such as structural, functional, and spatial information, amino acid conservation, physicochemical variation, residue mobility, and thermodynamic stability) performed at Invitae indicates that this missense variant is not expected to disrupt RAI1 protein function. This variant has not been reported in the literature in individuals affected with RAI1-related conditions. This variant is not present in population databases (gnomAD no frequency). This sequence change replaces proline, which is neutral and non-polar, with leucine, which is neutral and non-polar, at codon 135 of the RAI1 protein (p.Pro135Leu).